The following is an entry in ClinVar:

NM_000038.6(APC):c.7724C>G (p.Ser2575Cys)

Gene: APC (APC regulator of Wnt signaling pathway; plus strand). Cytogenetic location: 5q22.2.
Variant type: single nucleotide variant.
Coding change: c.7724C>G on transcript NM_000038.6 (MANE Select); coding-DNA position 7724, C replaced by G.
Protein change: p.Ser2575Cys; replaces serine 2575 with cysteine.
Molecular consequence: missense variant. On other transcripts: non-coding transcript variant (2).
Genome position (GRCh38, 1-based): chr5:112,843,318, C>G. VCF-style: chr5-112843318-C-G. GRCh37 (hg19) VCF-style: chr5-112179015-C-G.
Other names: c.7724C>G, p.Ser2575Cys (NM_001127510.3, NM_001354895.2, NM_001407450.1); c.7670C>G, p.Ser2557Cys (NM_001127511.3); c.7778C>G, p.Ser2593Cys (NM_001354896.2, NM_001407447.1, NM_001407448.1 and 1 more transcripts); c.7754C>G, p.Ser2585Cys (NM_001354897.2); c.7649C>G, p.Ser2550Cys (NM_001354898.2); c.7640C>G, p.Ser2547Cys (NM_001354899.2); c.7601C>G, p.Ser2534Cys (NM_001354900.2); c.7547C>G, p.Ser2516Cys (NM_001354901.2, NM_001407453.1); and 11 more; short protein forms S2191C, S2292C, S2415C, S2446C, S2449C, S2474C, S2484C, S2492C.
Identifiers: ClinVar variation 4860526 (VCV004860526.1).

ClinVar aggregate classification (germline): Uncertain significance (1 of 4 stars; one submission).

Conditions:
Hereditary cancer-predisposing syndrome. Also called: Neoplastic Syndromes, Hereditary; Tumor predisposition; Hereditary Cancer Syndrome; Hereditary neoplastic syndrome. Identifiers: Orphanet 140162, MedGen C0027672, MeSH D009386, MONDO:0015356.

Submission:

Ambry Genetics
Classification: Uncertain significance for Hereditary cancer-predisposing syndrome. Last evaluated: 2026-03-29. Review status: criteria provided, single submitter. Criteria: Ambry Variant Classification Scheme 2023. Collection method: clinical testing. Allele origin: germline.
Comment: The p.S2575C variant (also known as c.7724C>G), located in coding exon 15 of the APC gene, results from a C to G substitution at nucleotide position 7724. The serine at codon 2575 is replaced by cysteine, an amino acid with dissimilar properties. This amino acid position is conserved. In addition, in silico predictors for this gene do not accurately predict pathogenicity. Based on the available evidence, the clinical significance of this variant remains unclear.